The following is an entry in ClinVar:

NM_001563.4(IMPG1):c.2316G>A (p.Lys772=)

Gene: IMPG1 (interphotoreceptor matrix proteoglycan 1; minus strand). Cytogenetic location: 6q14.1.
Variant type: single nucleotide variant.
Coding change: c.2316G>A on transcript NM_001563.4 (MANE Select); coding-DNA position 2316, G replaced by A.
Protein change: p.Lys772=; no amino-acid change (lysine 772 retained).
Molecular consequence: synonymous variant.
Genome position (GRCh38, 1-based): chr6:75,923,634, C>T on the plus strand (G>A on the coding strand, the complement: IMPG1 is on the minus strand). VCF-style: chr6-75923634-C-T. GRCh37 (hg19) VCF-style: chr6-76633351-C-T.
Other names: c.2082G>A, p.Lys694= (NM_001282368.2).
Identifiers: ClinVar variation 1968721 (VCV001968721.5), dbSNP rs771935979, ClinGen allele CA3897868.
Genomic context (GRCh38, chr6:75,923,634, plus strand): 5'-TTAATTTCCTTCAAAAGTCAAGTTTAGTAATTGCAACCAACTTAGAAAGTATGATTTTAC[C>T]TTGTTATTTTGTTGATTTTGGAACTTTTTAACACTAGTTTTGTATGCTTGATTTTCAGAG-3'
Protein context (NP_001554.2, residues 762-782): VKKFQNQQNN[Lys772=]VISKRNSELL

ClinVar aggregate classification (germline): Uncertain significance (1 of 4 stars; one submission).

Allele frequency attached by ClinVar (database versions not stated): gnomAD 0.00001; TOPMed below 0.00001; ExAC 0.00001.
gnomAD v4.1: 4 of 1,466,552 alleles (0.00027%); highest among the groups gnomAD compares: Non-Finnish European, 0.00038%; no homozygotes.

Submission:

Labcorp Genetics (formerly Invitae), Labcorp
Classification: Uncertain significance. Last evaluated: 2025-04-29. Review status: criteria provided, single submitter. Criteria: Invitae Variant Classification Sherloc (09022015). Collection method: clinical testing. Allele origin: germline.
Comment: This sequence change affects codon 772 of the IMPG1 mRNA. It is a 'silent' change, meaning that it does not change the encoded amino acid sequence of the IMPG1 protein. This variant also falls at the last nucleotide of exon 16, which is part of the consensus splice site for this exon. The frequency data for this variant in the population databases is considered unreliable, as metrics indicate poor data quality at this position in the gnomAD database. This variant has been observed in individual(s) with retinitis pigmentosa (PMID: 37734845). ClinVar contains an entry for this variant (Variation ID: 1968721). Variants that disrupt the consensus splice site are a relatively common cause of aberrant splicing (PMID: 17576681, 9536098). Algorithms developed to predict the effect of sequence changes on RNA splicing suggest that this variant may disrupt the consensus splice site. In summary, the available evidence is currently insufficient to determine the role of this variant in disease. Therefore, it has been classified as a Variant of Uncertain Significance.

Literature cited by the submitters: PubMed 37734845; PubMed 17576681; PubMed 9536098.